The following is an entry in ClinVar:

NM_130837.3(OPA1):c.948+3A>G

Gene: OPA1 (OPA1 mitochondrial dynamin like GTPase; plus strand). Cytogenetic location: 3q29.
Variant type: single nucleotide variant.
Coding change: c.948+3A>G on transcript NM_130837.3 (MANE Select); 3 bases into the intron after coding-DNA position 948, A replaced by G.
Molecular consequence: intron variant.
Genome position (GRCh38, 1-based): chr3:193,635,525, A>G. VCF-style: chr3-193635525-A-G. GRCh37 (hg19) VCF-style: chr3-193353314-A-G.
Other names: c.840+3A>G (NM_130835.3); c.729+3A>G (NM_130832.3); c.786+3A>G (NM_130833.3); c.675+3A>G (NM_130831.3); c.411+3A>G (NM_001354664.2); c.414+3A>G (NM_001354663.2); c.837+3A>G (NM_130834.3); c.894+3A>G (NM_130836.3); and 1 more.
Identifiers: ClinVar variation 4540426 (VCV004540426.1).
Genomic context (GRCh38, chr3:193,635,525, plus strand): 5'-ATTGAGAAAATTAGTATTGCAGAAAGATGACAAAGGCATTCATCATAGAAAGCTTAAGGT[A>G]TTCTAAGTTTGTCTTGTTTATTCTCAAAATTTTACCGCTTAACGTTGTGTGTTCATCAGT-3'

ClinVar aggregate classification (germline): Uncertain significance (1 of 4 stars; one submission).

Conditions:
Autosomal dominant optic atrophy classic form (OPA1). Also called: KJER-TYPE OPTIC ATROPHY; OPTIC ATROPHY, JUVENILE; Optic Atrophy Type 1. Identifiers: Orphanet 98673, MedGen C0338508, MONDO:0008134, OMIM 165500.

Submission:

MVZ Medizinische Genetik Mainz
Classification: Uncertain significance for Autosomal dominant optic atrophy classic form. Last evaluated: 2025-11-19. Review status: criteria provided, single submitter. Criteria: UK Practice Guidelines For Variant Classification V4 01 2020. Collection method: clinical testing. Allele origin: germline. Inheritance: Unknown mechanism. Affected: yes. Observed: 1 variant allele.
Comment: ACMG Criteria: PM2_SUP